The following is an entry in ClinVar:

NM_201253.3(CRB1):c.4046G>A (p.Gly1349Asp)

Gene: CRB1 (crumbs cell polarity complex component 1; plus strand). Cytogenetic location: 1q31.3.
Variant type: single nucleotide variant.
Coding change: c.4046G>A on transcript NM_201253.3 (MANE Select); coding-DNA position 4046, G replaced by A.
Protein change: p.Gly1349Asp; replaces glycine 1349 with aspartic acid.
Molecular consequence: missense variant. On other transcripts: non-coding transcript variant (2).
Genome position (GRCh38, 1-based): chr1:197,477,704, G>A. VCF-style: chr1-197477704-G-A. GRCh37 (hg19) VCF-style: chr1-197446834-G-A.
Other names: c.3710G>A, p.Gly1237Asp (NM_001193640.2); c.3974G>A, p.Gly1325Asp (NM_001257965.2); c.2438G>A, p.Gly813Asp (NM_001257966.2); short protein forms G1237D, G1325D, G813D, G1349D.
Identifiers: ClinVar variation 1425423 (VCV001425423.9), dbSNP rs761584516, ClinGen allele CA1312543.

ClinVar aggregate classification (germline): Uncertain significance. Review status: criteria provided, multiple submitters, no conflicts (2 of 4 stars). 2 submissions from 2 submitters: Uncertain significance (2). Last evaluated 2022-11-28.

Conditions:
Leber congenital amaurosis 8 (LCA8). Identifiers: Orphanet 65, MedGen C3151202, MONDO:0013453, OMIM 613835.
Retinitis pigmentosa 12 (RP12). Also called: RP WITH OR WITHOUT PRESERVED PARAARTERIOLE RETINAL PIGMENT EPITHELIUM; RETINITIS PIGMENTOSA WITH OR WITHOUT PARAARTERIOLAR PRESERVATION OF RETINAL PIGMENT EPITHELIUM; RP WITH OR WITHOUT PPRPE. Identifiers: Orphanet 791, MedGen C1838647, MONDO:0010818, OMIM 600105.

Allele frequency attached by ClinVar (database versions not stated): gnomAD exomes below 0.00001; ExAC 0.00001.

Submissions (2):

Labcorp Genetics (formerly Invitae), Labcorp
Classification: Uncertain significance for Leber congenital amaurosis 8; Retinitis pigmentosa 12. Last evaluated: 2022-11-28. Review status: criteria provided, single submitter. Criteria: Invitae Variant Classification Sherloc (09022015). Collection method: clinical testing. Allele origin: germline.
Comment: This sequence change replaces glycine, which is neutral and non-polar, with aspartic acid, which is acidic and polar, at codon 1349 of the CRB1 protein (p.Gly1349Asp). This variant is present in population databases (rs761584516, gnomAD 0.0009%). This variant has not been reported in the literature in individuals affected with CRB1-related conditions. ClinVar contains an entry for this variant (Variation ID: 1425423). Algorithms developed to predict the effect of missense changes on protein structure and function (SIFT, PolyPhen-2, Align-GVGD) all suggest that this variant is likely to be disruptive. In summary, the available evidence is currently insufficient to determine the role of this variant in disease. Therefore, it has been classified as a Variant of Uncertain Significance.

Blueprint Genetics
Classification: Uncertain significance. Last evaluated: 2021-06-11. Review status: criteria provided, single submitter. Criteria: ACMG Guidelines, 2015. Collection method: clinical testing. Allele origin: germline.